The following is an entry in ClinVar:

ClinVar aggregate classification (germline): Likely benign. Review status: reviewed by expert panel (3 of 4 stars). 7 submissions from 7 submitters: Likely benign (1). 6 of the submissions do not count toward it. Last evaluated 2023-08-03.

Conditions:
CDH1-related diffuse gastric and lobular breast cancer syndrome. Also called: CDH1-related diffuse gastric and lobular breast cancer. Identifiers: MedGen CN311521, MONDO:0100488.
Hereditary cancer-predisposing syndrome. Also called: Hereditary neoplastic syndrome; Neoplastic Syndromes, Hereditary; Tumor predisposition; Hereditary Cancer Syndrome. Identifiers: Orphanet 140162, MedGen C0027672, MeSH D009386, MONDO:0015356.
Hereditary diffuse gastric adenocarcinoma (HDGC). Also called: DIFFUSE GASTRIC AND LOBULAR BREAST CANCER SYNDROME. Identifiers: Orphanet 26106, MedGen C1708349, MONDO:0007648, OMIM 137215.

Allele frequency attached by ClinVar (database versions not stated): TOPMed 0.00001; gnomAD 0.00003.
gnomAD v4.1: 7 of 1,614,010 alleles (0.00043%); highest among the groups gnomAD compares: Middle Eastern, 0.016%; no homozygotes.

Submissions (7):

Clingen Gastric Cancer Variant Curation Expert Panel
Classification: Likely benign for CDH1-related diffuse gastric and lobular breast cancer syndrome. Last evaluated: 2023-08-03. Review status: reviewed by expert panel. Criteria: ClinGen CDH1 ACMG Specifications V3.1. Collection method: curation. Allele origin: germline. Inheritance: Autosomal dominant inheritance.
Comment: The NM_004360.5(CDH1):c.221G>A (p.Arg74Gln) variant has been observed in >10 individuals without a diagnosis of diffuse gastric cancer, signet ring tumor or lobular breast cancer and whose family histories do not suggest HDGC (BS2; internal laboratory contributors). In summary, the clinical significance of this variant is classified as likely benign based on BS2 alone. ACMG/AMP criteria applied, as specified by the CDH1 Variant Curation Expert Panel: BS2. (CDH1 VCEP specifications version 3.1; 04/24/2023).

Labcorp Genetics (formerly Invitae), Labcorp
Classification: Likely benign for Hereditary diffuse gastric adenocarcinoma. Last evaluated: 2025-12-01. Review status: criteria provided, single submitter. Criteria: Invitae Variant Classification Sherloc (09022015). Collection method: clinical testing. Allele origin: germline. Not counted in ClinVar's aggregate classification.

Center for Genomic Medicine, Rigshospitalet, Copenhagen University Hospital
Classification: Likely benign. Last evaluated: 2025-03-04. Review status: criteria provided, single submitter. Criteria: ACMG Guidelines, 2015. Collection method: clinical testing. Allele origin: germline. Not counted in ClinVar's aggregate classification.

Color Diagnostics, LLC DBA Color Health
Classification: Likely benign for Hereditary cancer-predisposing syndrome. Last evaluated: 2024-11-18. Review status: criteria provided, single submitter. Criteria: ACMG Guidelines, 2015. Collection method: clinical testing. Allele origin: germline. Not counted in ClinVar's aggregate classification.

Ambry Genetics
Classification: Likely benign for Hereditary cancer-predisposing syndrome. Last evaluated: 2024-05-28. Review status: criteria provided, single submitter. Criteria: Ambry Variant Classification Scheme 2023. Collection method: clinical testing. Allele origin: germline. Not counted in ClinVar's aggregate classification.

Department of Pathology and Laboratory Medicine, Sinai Health System
Classification: Likely benign for CDH1-related diffuse gastric and lobular breast cancer syndrome. Last evaluated: 2024-04-26. Review status: criteria provided, single submitter. Criteria: ACMG Guidelines, 2015. Collection method: clinical testing. Allele origin: germline. Affected: no. Not counted in ClinVar's aggregate classification.

GeneDx
Classification: Uncertain significance. Last evaluated: 2022-04-25. Review status: criteria provided, single submitter. Criteria: GeneDx Variant Classification Process June 2021. Collection method: clinical testing. Allele origin: germline. Affected: yes. Not counted in ClinVar's aggregate classification.
Comment: Not observed at significant frequency in large population cohorts (gnomAD); In silico analysis supports that this missense variant does not alter protein structure/function; Observed in at least one individual with familial, non-syndromic cleft lip and/or palate with no information about cancer history (Pengelly 2016); This variant is associated with the following publications: (PMID: 25344691, 28229982, 32175104, 27456059)

Literature cited by the submitters: PubMed 27456059 (cited by Department of Pathology and Laboratory Medicine, Sinai Health System).

NM_004360.5(CDH1):c.221G>A (p.Arg74Gln)

Gene: CDH1 (cadherin 1; plus strand). Cytogenetic location: 16q22.1.
Variant type: single nucleotide variant.
Coding change: c.221G>A on transcript NM_004360.5 (MANE Select); coding-DNA position 221, G replaced by A.
Protein change: p.Arg74Gln; replaces arginine 74 with glutamine.
Molecular consequence: missense variant. On other transcripts: 5 prime UTR variant (2).
Genome position (GRCh38, 1-based): chr16:68,801,727, G>A. VCF-style: chr16-68801727-G-A. GRCh37 (hg19) VCF-style: chr16-68835630-G-A.
Other names: NM_004360.5(CDH1):c.221G>A; p.Arg74Gln; c.221G>A (LRG_301t1); c.221G>A, p.Arg74Gln (NM_001317184.2); c.-1395G>A (NM_001317185.2); c.-1599G>A (NM_001317186.2); short protein forms R74Q.
Identifiers: ClinVar variation 463749 (VCV000463749.25), dbSNP rs761562625, ClinGen allele CA396457187.